The following is an entry in ClinVar:

ClinVar aggregate classification (germline): Uncertain significance (1 of 4 stars; one submission).

Conditions:
Neuronopathy, distal hereditary motor, type 7A. Also called: HARPER-YOUNG MYOPATHY; HMN VIIA; SPINAL MUSCULAR ATROPHY, DISTAL, WITH VOCAL CORD PARALYSIS; NEURONOPATHY, DISTAL HEREDITARY MOTOR, HARDING TYPE VIIA; NEUROPATHY, DISTAL HEREDITARY MOTOR, HARDING TYPE VIIA; Neuronopathy, distal hereditary motor, autosomal dominant 7. Identifiers: Orphanet 139589, MedGen C1834703, MONDO:0008024, OMIM 158580.
Congenital myasthenic syndrome 20. Also called: Myasthenic syndrome, congenital, 20, presynaptic. Identifiers: MedGen C4310694, MONDO:0014939, OMIM 617143.

gnomAD v4.1: 2 of 1,614,088 alleles (0.00012%); highest among the groups gnomAD compares: Admixed American, 0.0033%; no homozygotes.

Submission:

Labcorp Genetics (formerly Invitae), Labcorp
Classification: Uncertain significance for Neuronopathy, distal hereditary motor, type 7A; Congenital myasthenic syndrome 20. Last evaluated: 2023-04-18. Review status: criteria provided, single submitter. Criteria: Invitae Variant Classification Sherloc (09022015). Collection method: clinical testing. Allele origin: germline.
Comment: In summary, the available evidence is currently insufficient to determine the role of this variant in disease. Therefore, it has been classified as a Variant of Uncertain Significance. Advanced modeling of protein sequence and biophysical properties (such as structural, functional, and spatial information, amino acid conservation, physicochemical variation, residue mobility, and thermodynamic stability) performed at Invitae indicates that this missense variant is not expected to disrupt SLC5A7 protein function. ClinVar contains an entry for this variant (Variation ID: 1381562). This variant has not been reported in the literature in individuals affected with SLC5A7-related conditions. This variant is present in population databases (no rsID available, gnomAD 0.006%). This sequence change replaces threonine, which is neutral and polar, with isoleucine, which is neutral and non-polar, at codon 173 of the SLC5A7 protein (p.Thr173Ile).

NM_021815.5(SLC5A7):c.518C>T (p.Thr173Ile)

Gene: SLC5A7 (solute carrier family 5 member 7; plus strand). Cytogenetic location: 2q12.3.
Variant type: single nucleotide variant.
Coding change: c.518C>T on transcript NM_021815.5 (MANE Select); coding-DNA position 518, C replaced by T.
Protein change: p.Thr173Ile; replaces threonine 173 with isoleucine.
Molecular consequence: missense variant. On other transcripts: 5 prime UTR variant (1).
Genome position (GRCh38, 1-based): chr2:107,997,907, C>T. VCF-style: chr2-107997907-C-T. GRCh37 (hg19) VCF-style: chr2-108614363-C-T.
Other names: c.518C>T, p.Thr173Ile (NM_001305005.3); c.203C>T, p.Thr68Ile (NM_001305006.3); c.-187C>T (NM_001305007.3); short protein forms T68I, T173I.
Identifiers: ClinVar variation 1381562 (VCV001381562.6), dbSNP rs746514670, ClinGen allele CA348112524.